The following is an entry in ClinVar:

NM_000548.5(TSC2):c.1088A>T (p.Asn363Ile)

Gene: TSC2 (TSC complex subunit 2; plus strand). Cytogenetic location: 16p13.3.
Variant type: single nucleotide variant.
Coding change: c.1088A>T on transcript NM_000548.5 (MANE Select); coding-DNA position 1088, A replaced by T.
Protein change: p.Asn363Ile; replaces asparagine 363 with isoleucine.
Molecular consequence: missense variant.
Genome position (GRCh38, 1-based): chr16:2,060,782, A>T. VCF-style: chr16-2060782-A-T. GRCh37 (hg19) VCF-style: chr16-2110783-A-T.
Other names: c.1088A>T, p.Asn363Ile (NM_001077183.3, NM_001114382.3, NM_001363528.2 and 3 more transcripts); c.977A>T, p.Asn326Ile (NM_001318827.2); c.941A>T, p.Asn314Ile (NM_001318829.2); c.488A>T, p.Asn163Ile (NM_001318831.2); c.1121A>T, p.Asn374Ile (NM_001318832.2); short protein forms N363I, N314I, N163I, N374I, N326I.
Identifiers: ClinVar variation 578764 (VCV000578764.8), dbSNP rs1567423658, ClinGen allele CA394318162.

ClinVar aggregate classification (germline): Uncertain significance (1 of 4 stars; one submission).

Conditions:
Tuberous sclerosis 2 (TSC2). Identifiers: Orphanet 805, MedGen C1860707, MONDO:0013199, OMIM 613254.

Submission:

Labcorp Genetics (formerly Invitae), Labcorp
Classification: Uncertain significance for Tuberous sclerosis 2. Last evaluated: 2018-04-19. Review status: criteria provided, single submitter. Criteria: Invitae Variant Classification Sherloc (09022015). Collection method: clinical testing. Allele origin: germline.
Comment: In summary, the available evidence is currently insufficient to determine the role of this variant in disease. Therefore, it has been classified as a Variant of Uncertain Significance. Algorithms developed to predict the effect of missense changes on protein structure and function do not agree on the potential impact of this missense change (SIFT: "Deleterious"; PolyPhen-2: "Benign"; Align-GVGD: "Class C15"). This variant has not been reported in the literature in individuals with TSC2-related disease. This variant is not present in population databases (ExAC no frequency). This sequence change replaces asparagine with isoleucine at codon 363 of the TSC2 protein (p.Asn363Ile). The asparagine residue is weakly conserved and there is a large physicochemical difference between asparagine and isoleucine.